The following is an entry in ClinVar:

ClinVar aggregate classification (germline): Likely pathogenic (1 of 4 stars; one submission).

Conditions:
Generalized dominant dystrophic epidermolysis bullosa (DDEB). Also called: DDEB, generalized; DDEB-gen; DYSTROPHIC EPIDERMOLYSIS BULLOSA, AUTOSOMAL DOMINANT; Epidermolysis bullosa dystrophica, autosomal dominant; Dominant DEB (DDEB). Identifiers: Orphanet 231568, MedGen C0432322, MONDO:0007549, OMIM 131750.

Submission:

Molecular Genetics Department, Kulakov National Medical Research Center for Obstetrics, Gynecology and Perinatology
Classification: Likely pathogenic for Generalized dominant dystrophic epidermolysis bullosa. Review status: criteria provided, single submitter. Criteria: ACMG Guidelines, 2015. Collection method: clinical testing. Allele origin: germline. Affected: yes.
Comment: A previously undescribed nucleotide variant creates a missense p.Gly2070Val in the COL7A1 gene. Heterozygous missense variants are reported in patients with Epidermolysis bullosa dystrophica, autosomal dominant, 131750. Different missense variant at the same position (p.Gly2070Arg, p.Gly2070Glu) were previously described in patients with autosomal dominan epidermolysis bullosa [Jerabkova et al., 2010, PMID: 20598510; Gardella et al., 2002, PMID: 12485454]. The variant is not present in population database (gnomAD no frequency). In summary, the currently available evidence indicates that the variant is pathogenic, but additional data are needed to prove that conclusively. Therefore, this variant has been classified as likely pathogenic.

NM_000094.4(COL7A1):c.6209G>T (p.Gly2070Val)

Gene: COL7A1 (collagen type VII alpha 1 chain; minus strand). Cytogenetic location: 3p21.31.
Variant type: single nucleotide variant.
Coding change: c.6209G>T on transcript NM_000094.4 (MANE Select); coding-DNA position 6209, G replaced by T.
Protein change: p.Gly2070Val; replaces glycine 2070 with valine.
Molecular consequence: missense variant.
Genome position (GRCh38, 1-based): chr3:48,575,214, C>A on the plus strand (G>T on the coding strand, the complement: COL7A1 is on the minus strand). VCF-style: chr3-48575214-C-A. GRCh37 (hg19) VCF-style: chr3-48612647-C-A.
Other names: short protein forms G2070V.
Identifiers: ClinVar variation 3062232 (VCV003062232.1), dbSNP rs2107672732, ClinGen allele CA352662552.